The following is an entry in ClinVar:

NM_032043.3(BRIP1):c.505_506insGGCCGGGCGCGGTGGCTCACGCCTGTAATCCCAGCACTTTGGGAGGCCGAGGCGGGTGGATCATGAGGTCAGGAGATCGAGACCATCCTGGCTAACAAGGTGAAACCCCGTCTCTACTAAAAATACAAAAAATTAGCCGGGCGCGGTGGCGGGCGCCTGTAGTCCCAGCTACTCGGGAGGCTGAGGCAGGAGAATGGCGTGAACCCGGGAAGCGGAGCTTGCAGTGAGCCGAGATTGCGCCACTGCAGTCCACAGTCCGGCCTGGGCGACAGAGCGAGACTCCGTCTCAAAAAAATAAAATAAAATAAAATAAAATAAAATAAAAAAAAAAAAAAAAAAAAAAAAAAACTACACAGC (p.Gln169delinsArgProGlyAlaValAlaHisAlaCysAsnProSerThrLeuGlyGlyArgGlyGlyTrpIleMetArgSerGlyAspArgAspHisProGlyTer)

Gene: BRIP1 (BRCA1 interacting DNA helicase 1; minus strand). Cytogenetic location: 17q23.2.
Variant type: Insertion.
Coding change: c.505_506insGGCCGGGCGCGGTGGCTCACGCCTGTAATCCCAGCACTTTGGGAGGCCGAGGCGGGTGGATCATGAGGTCAGGAGATCGAGACCATCCTGGCTAACAAGGTGAAACCCCGTCTCTACTAAAAATACAAAAAATTAGCCGGGCGCGGTGGCGGGCGCCTGTAGTCCCAGCTACTCGGGAGGCTGAGGCAGGAGAATGGCGTGAACCCGGGAAGCGGAGCTTGCAGTGAGCCGAGATTGCGCCACTGCAGTCCACAGTCCGGCCTGGGCGACAGAGCGAGACTCCGTCTCAAAAAAATAAAATAAAATAAAATAAAATAAAATAAAAAAAAAAAAAAAAAAAAAAAAAAACTACACAGC on transcript NM_032043.3 (MANE Select); coding-DNA positions 505 to 506, GGCCGGGCGCGGTGGCTCACGCCTGTAATCCCAGCACTTTGGGAGGCCGAGGCGGGTGGATCATGAGGTCAGGAGATCGAGACCATCCTGGCTAACAAGGTGAAACCCCGTCTCTACTAAAAATACAAAAAATTAGCCGGGCGCGGTGGCGGGCGCCTGTAGTCCCAGCTACTCGGGAGGCTGAGGCAGGAGAATGGCGTGAACCCGGGAAGCGGAGCTTGCAGTGAGCCGAGATTGCGCCACTGCAGTCCACAGTCCGGCCTGGGCGACAGAGCGAGACTCCGTCTCAAAAAAATAAAATAAAATAAAATAAAATAAAATAAAAAAAAAAAAAAAAAAAAAAAAAAACTACACAGC inserted.
Protein change: p.Gln169delinsArgProGlyAlaValAlaHisAlaCysAsnProSerThrLeuGlyGlyArgGlyGlyTrpIleMetArgSerGlyAspArgAspHisProGlyTer.
Molecular consequence: nonsense.
Genome position: GRCh38: chr17:61,849,142-61,849,143. GRCh37 (hg19): chr17:59,926,503-59,926,504.
Identifiers: ClinVar variation 1073980 (VCV001073980.7), dbSNP rs2145761401, ClinGen allele CA2499224816.

ClinVar aggregate classification (germline): Pathogenic (1 of 4 stars; one submission).

Conditions:
Fanconi anemia complementation group J. Also called: BRIP1-Related Fanconi Anemia. Identifiers: Orphanet 84, MedGen C1836860, MONDO:0012187, OMIM 609054.
Familial cancer of breast. Also called: BREAST CANCER, FAMILIAL; hereditary breast carcinoma; Hereditary breast cancer. Identifiers: Orphanet 227535, MedGen C0346153, MONDO:0016419, OMIM 114480. Disease mechanism: loss of function.

Submission:

Labcorp Genetics (formerly Invitae), Labcorp
Classification: Pathogenic for Familial cancer of breast; Fanconi anemia complementation group J. Last evaluated: 2020-05-08. Review status: criteria provided, single submitter. Criteria: Invitae Variant Classification Sherloc (09022015). Collection method: clinical testing. Allele origin: germline.
Comment: For these reasons, this variant has been classified as Pathogenic. Retrotransposon insertions including LINE1 (L1), Alu, and SVA (SINE-VNTR-Alu) have been reported to be disease-causing through disruption of either a coding region or splice site (PMID: 19763152, 20307669, 22406018) and loss-of-function variants in BRIP1 are known to be pathogenic (PMID: 16116423, 17033622, 21964575). This variant has not been reported in the literature in individuals with BRIP1-related conditions. This sequence change inserts a large fragment of DNA, likely a transposable element, in exon 5 of the BRIP1 gene (c.505_506insAlu), causing a frameshift at codon 169 (p.Gln169fs). The exact size and sequence of the insertion cannot be determined by the current assay. However, the insertion is expected to result in an absent or disrupted protein product.

Literature cited by the submitters: PubMed 19763152; PubMed 20307669; PubMed 22406018; PubMed 16116423; PubMed 17033622; PubMed 21964575.